The following is an entry in ClinVar:

ClinVar aggregate classification (germline): Uncertain significance. Review status: criteria provided, multiple submitters, no conflicts (2 of 4 stars). 3 submissions from 3 submitters: Uncertain significance (3). Last evaluated 2024-09-14.

Conditions:
Hajdu-Cheney syndrome (HJCYS). Also called: ACROOSTEOLYSIS WITH OSTEOPOROSIS AND CHANGES IN SKULL AND MANDIBLE; SERPENTINE FIBULA-POLYCYSTIC KIDNEY SYNDROME; Acroosteolysis dominant type. Identifiers: Orphanet 955, MedGen C0917715, MONDO:0007057, OMIM 102500.

Allele frequency attached by ClinVar (database versions not stated): TOPMed below 0.00001; gnomAD 0.00001; gnomAD exomes 0.00001.
gnomAD v4.1: 7 of 1,613,896 alleles (0.00043%); highest among the groups gnomAD compares: Non-Finnish European, 0.00059%; no homozygotes.

Submissions (3):

Blueprint Genetics
Classification: Uncertain significance. Last evaluated: 2024-09-14. Review status: criteria provided, single submitter. Criteria: ACMG Guidelines, 2015. Collection method: clinical testing. Allele origin: germline.

Labcorp Genetics (formerly Invitae), Labcorp
Classification: Uncertain significance for Hajdu-Cheney syndrome. Last evaluated: 2023-10-30. Review status: criteria provided, single submitter. Criteria: Invitae Variant Classification Sherloc (09022015). Collection method: clinical testing. Allele origin: germline.
Comment: This sequence change replaces histidine, which is basic and polar, with aspartic acid, which is acidic and polar, at codon 2374 of the NOTCH2 protein (p.His2374Asp). This variant is present in population databases (no rsID available, gnomAD 0.007%). This variant has not been reported in the literature in individuals affected with NOTCH2-related conditions. Advanced modeling of protein sequence and biophysical properties (such as structural, functional, and spatial information, amino acid conservation, physicochemical variation, residue mobility, and thermodynamic stability) performed at Invitae indicates that this missense variant is not expected to disrupt NOTCH2 protein function with a negative predictive value of 80%. In summary, the available evidence is currently insufficient to determine the role of this variant in disease. Therefore, it has been classified as a Variant of Uncertain Significance.

CeGaT Center for Human Genetics Tuebingen
Classification: Uncertain significance. Last evaluated: 2022-09-01. Review status: criteria provided, single submitter. Criteria: CeGaT Center For Human Genetics Tuebingen Variant Classification Criteria Version 2. Collection method: clinical testing. Allele origin: germline. Affected: yes. Observed: 1 variant allele.
Comment: NOTCH2: PP2, BP4

NM_024408.4(NOTCH2):c.7120C>G (p.His2374Asp)

Gene: NOTCH2 (notch receptor 2; minus strand). Cytogenetic location: 1p12.
Variant type: single nucleotide variant.
Coding change: c.7120C>G on transcript NM_024408.4 (MANE Select); coding-DNA position 7120, C replaced by G.
Protein change: p.His2374Asp; replaces histidine 2374 with aspartic acid.
Molecular consequence: missense variant.
Genome position (GRCh38, 1-based): chr1:119,915,602, G>C on the plus strand (C>G on the coding strand, the complement: NOTCH2 is on the minus strand). VCF-style: chr1-119915602-G-C. GRCh37 (hg19) VCF-style: chr1-120458225-G-C.
Other names: short protein forms H2374D.
Identifiers: ClinVar variation 2639040 (VCV002639040.28), dbSNP rs1374498324, ClinGen allele CA341873295.